The following is an entry in ClinVar:

ClinVar aggregate classification (germline): Benign (1 of 4 stars; one submission).

Conditions:
Hereditary diffuse gastric adenocarcinoma (HDGC). Also called: DIFFUSE GASTRIC AND LOBULAR BREAST CANCER SYNDROME. Identifiers: Orphanet 26106, MedGen C1708349, MONDO:0007648, OMIM 137215.

Submission:

Myriad Genetics, Inc.
Classification: Benign for Hereditary diffuse gastric adenocarcinoma. Last evaluated: 2024-09-13. Review status: criteria provided, single submitter. Criteria: Myriad Autosomal Dominant, Autosomal Recessive and X-Linked Classification Criteria (2023). Collection method: clinical testing. Allele origin: unknown.
Comment: This variant is considered benign. This variant is a silent/synonymous amino acid change and it is not expected to impact splicing.

NM_004360.5(CDH1):c.630A>G (p.Glu210=)

Gene: CDH1 (cadherin 1; plus strand). Cytogenetic location: 16q22.1.
Variant type: single nucleotide variant.
Coding change: c.630A>G on transcript NM_004360.5 (MANE Select); coding-DNA position 630, A replaced by G.
Protein change: p.Glu210=; no amino-acid change (glutamic acid 210 retained).
Molecular consequence: synonymous variant. On other transcripts: 5 prime UTR variant (2).
Genome position (GRCh38, 1-based): chr16:68,808,791, A>G. VCF-style: chr16-68808791-A-G. GRCh37 (hg19) VCF-style: chr16-68842694-A-G.
Other names: c.630A>G, p.Glu210= (NM_001317184.2); c.-986A>G (NM_001317185.2); c.-1190A>G (NM_001317186.2).
Identifiers: ClinVar variation 3378670 (VCV003378670.1).